The following is an entry in ClinVar:

ClinVar aggregate classification (germline): Conflicting classifications of pathogenicity. Review status: criteria provided, conflicting classifications (1 of 4 stars). 3 submissions from 3 submitters: Uncertain significance (1); Likely benign (2). Last evaluated 2023-09-12.

Conditions:
Inborn genetic diseases. Identifiers: MedGen C0950123, MeSH D030342.
Vici syndrome (VICIS). Identifiers: Orphanet 1493, MedGen C1855772, MONDO:0009452, OMIM 242840.

Allele frequency attached by ClinVar (database versions not stated): gnomAD exomes below 0.00001; ExAC 0.00001; gnomAD 0.00001; TOPMed 0.00001.

Submissions (3):

Ambry Genetics
Classification: Likely benign for Inborn genetic diseases. Last evaluated: 2023-09-12. Review status: criteria provided, single submitter. Criteria: Ambry Variant Classification Scheme 2023. Collection method: clinical testing. Allele origin: germline.

Blueprint Genetics
Classification: Likely benign. Last evaluated: 2023-04-27. Review status: criteria provided, single submitter. Criteria: ACMG Guidelines, 2015. Collection method: clinical testing. Allele origin: germline.

Labcorp Genetics (formerly Invitae), Labcorp
Classification: Uncertain significance for Vici syndrome. Last evaluated: 2021-08-24. Review status: criteria provided, single submitter. Criteria: Invitae Variant Classification Sherloc (09022015). Collection method: clinical testing. Allele origin: germline.
Comment: This sequence change replaces valine with methionine at codon 2411 of the EPG5 protein (p.Val2411Met). The valine residue is weakly conserved and there is a small physicochemical difference between valine and methionine. This variant is present in population databases (rs764568339, ExAC 0.002%). This variant has not been reported in the literature in individuals affected with EPG5-related conditions. Algorithms developed to predict the effect of missense changes on protein structure and function output the following: SIFT: "Tolerated"; PolyPhen-2: "Benign"; Align-GVGD: "Class C0". The methionine amino acid residue is found in multiple mammalian species, which suggests that this missense change does not adversely affect protein function. In summary, the available evidence is currently insufficient to determine the role of this variant in disease. Therefore, it has been classified as a Variant of Uncertain Significance.

NM_020964.3(EPG5):c.7231G>A (p.Val2411Met)

Gene: EPG5 (ectopic P-granules 5 autophagy tethering factor; minus strand). Cytogenetic location: 18q12.3.
Variant type: single nucleotide variant.
Coding change: c.7231G>A on transcript NM_020964.3 (MANE Select); coding-DNA position 7231, G replaced by A.
Protein change: p.Val2411Met; replaces valine 2411 with methionine.
Molecular consequence: missense variant.
Genome position (GRCh38, 1-based): chr18:45,858,064, C>T on the plus strand (G>A on the coding strand, the complement: EPG5 is on the minus strand). VCF-style: chr18-45858064-C-T. GRCh37 (hg19) VCF-style: chr18-43438029-C-T.
Other names: c.7231G>A (NM_020964.2); short protein forms V2411M.
Identifiers: ClinVar variation 1042457 (VCV001042457.9), dbSNP rs764568339, ClinGen allele CA8948039.
Genomic context (GRCh38, chr18:45,858,064, plus strand): 5'-GAATGAGGGAGAGCTGAAGGACTTGGTGCCACCACAAAAACAGCTTTGCCTCTTCCTCCA[C>T]GGAGCTAGGGGAGGCACCGGAGGAAAATAAAATTAGAAGTAAATTTTTCCCACTCCCATT-3'
Protein context (NP_066015.2, residues 2401-2421): KWLEQVYPSS[Val2411Met]EEEAKLFLWW